The following is an entry in ClinVar:

NM_201548.5(CERKL):c.895+13C>T

Gene: CERKL (CERK like autophagy regulator; minus strand). Cytogenetic location: 2q31.3.
Variant type: single nucleotide variant.
Coding change: c.895+13C>T on transcript NM_201548.5 (MANE Select); 13 bases into the intron after coding-DNA position 895, C replaced by T.
Molecular consequence: intron variant.
Genome position (GRCh38, 1-based): chr2:181,549,621, G>A on the plus strand (C>T on the coding strand, the complement: CERKL is on the minus strand). VCF-style: chr2-181549621-G-A. GRCh37 (hg19) VCF-style: chr2-182414348-G-A.
Other names: c.556+13C>T (NM_001030312.3); c.841+13C>T (NM_001160277.2); c.688+13C>T (NM_001030313.3); c.973+13C>T (NM_001030311.3, NM_001030311.2).
Identifiers: ClinVar variation 897707 (VCV000897707.14), dbSNP rs187829374, ClinGen allele CA2010632.

ClinVar aggregate classification (germline): Conflicting classifications of pathogenicity. Review status: criteria provided, conflicting classifications (1 of 4 stars). 4 submissions from 4 submitters: Uncertain significance (1); Likely benign (2). 1 of the submissions does not count toward it. Last evaluated 2026-01-26.

Conditions:
CERKL-related disorder. Also called: CERKL-related condition.
Retinitis pigmentosa (RP). Identifiers: Orphanet 791, MedGen C0035334, MeSH D012174, MONDO:0019200, OMIM 268000. Inheritance: Autosomal dominant, autosomal recessive and X linked inheritance.

Allele frequency attached by ClinVar (database versions not stated): gnomAD exomes 0.00006 and 0.00013; gnomAD 0.00009 and 0.00011; ExAC 0.00011; TOPMed 0.00017; 1000 Genomes Project 30x 0.00031; 1000 Genomes Project 0.00040.
gnomAD v4.1: 140 of 1,579,026 alleles (0.0089%); highest among the groups gnomAD compares: East Asian, 0.2%; no homozygotes.

Submissions (4):

Labcorp Genetics (formerly Invitae), Labcorp
Classification: Likely benign. Last evaluated: 2026-01-26. Review status: criteria provided, single submitter. Criteria: Invitae Variant Classification Sherloc (09022015). Collection method: clinical testing. Allele origin: germline.

Blueprint Genetics
Classification: Likely benign. Last evaluated: 2024-11-01. Review status: criteria provided, single submitter. Criteria: ACMG Guidelines, 2015. Collection method: clinical testing. Allele origin: germline.

Illumina Laboratory Services, Illumina
Classification: Uncertain significance for Retinitis pigmentosa. Last evaluated: 2018-01-12. Review status: criteria provided, single submitter. Criteria: ICSL Variant Classification Criteria 13 December 2019. Collection method: clinical testing. Allele origin: germline.

PreventionGenetics, part of Exact Sciences
Classification: Likely benign for CERKL-related condition. Last evaluated: 2024-03-22. Review status: no assertion criteria provided. Collection method: clinical testing. Allele origin: germline. Not counted in ClinVar's aggregate classification.
Comment: This variant is classified as likely benign based on ACMG/AMP sequence variant interpretation guidelines (Richards et al. 2015 PMID: 25741868, with internal and published modifications).